The following is an entry in ClinVar:

ClinVar aggregate classification (germline): Pathogenic (1 of 4 stars; one submission).

gnomAD v4.1: 3 of 1,578,716 alleles (0.00019%); highest among the groups gnomAD compares: Non-Finnish European, 0.00017%; no homozygotes.

Submission:

Labcorp Genetics (formerly Invitae), Labcorp
Classification: Pathogenic. Last evaluated: 2020-06-24. Review status: criteria provided, single submitter. Criteria: Invitae Variant Classification Sherloc (09022015). Collection method: clinical testing. Allele origin: germline.
Comment: For these reasons, this variant has been classified as Pathogenic. Loss-of-function variants in CDH23 are known to be pathogenic (PMID: 11138009, 21940737). This variant has not been reported in the literature in individuals with CDH23-related conditions. This variant is not present in population databases (ExAC no frequency). This sequence change creates a premature translational stop signal (p.Tyr2702*) in the CDH23 gene. It is expected to result in an absent or disrupted protein product.

Literature cited by the submitters: PubMed 11138009; PubMed 21940737.

NM_022124.6(CDH23):c.8106C>G (p.Tyr2702Ter)

Gene: CDH23 (cadherin related 23; plus strand). Cytogenetic location: 10q22.1.
Variant type: single nucleotide variant.
Coding change: c.8106C>G on transcript NM_022124.6 (MANE Select); coding-DNA position 8106, C replaced by G.
Protein change: p.Tyr2702Ter; replaces tyrosine 2702 with a stop codon.
Molecular consequence: nonsense.
Genome position (GRCh38, 1-based): chr10:71,806,209, C>G. VCF-style: chr10-71806209-C-G. GRCh37 (hg19) VCF-style: chr10-73565966-C-G.
Other names: c.1386C>G, p.Tyr462Ter (NM_001171933.1, NM_001171934.1); short protein forms Y2702*, Y462*.
Identifiers: ClinVar variation 1070249 (VCV001070249.7), dbSNP rs558564568, ClinGen allele CA377162362.